The following is an entry in ClinVar:

ClinVar aggregate classification (germline): Uncertain significance (1 of 4 stars; one submission).

Conditions:
Hereditary cancer-predisposing syndrome. Also called: Hereditary neoplastic syndrome; Hereditary Cancer Syndrome; Neoplastic Syndromes, Hereditary; Tumor predisposition. Identifiers: Orphanet 140162, MedGen C0027672, MeSH D009386, MONDO:0015356.

Submission:

Ambry Genetics
Classification: Uncertain significance for Hereditary cancer-predisposing syndrome. Last evaluated: 2025-04-02. Review status: criteria provided, single submitter. Criteria: Ambry Variant Classification Scheme 2023. Collection method: clinical testing. Allele origin: germline.
Comment: The p.G759E variant (also known as c.2276G>A), located in coding exon 14 of the CDH1 gene, results from a G to A substitution at nucleotide position 2276. The glycine at codon 759 is replaced by glutamic acid, an amino acid with similar properties. This amino acid position is highly conserved in available vertebrate species. In addition, this alteration is predicted to be deleterious by in silico analysis. Based on the available evidence, the clinical significance of this variant remains unclear.

NM_004360.5(CDH1):c.2276G>A (p.Gly759Glu)

Gene: CDH1 (cadherin 1; plus strand). Cytogenetic location: 16q22.1.
Variant type: single nucleotide variant.
Coding change: c.2276G>A on transcript NM_004360.5 (MANE Select); coding-DNA position 2276, G replaced by A.
Protein change: p.Gly759Glu; replaces glycine 759 with glutamic acid.
Molecular consequence: missense variant.
Genome position (GRCh38, 1-based): chr16:68,828,285, G>A. VCF-style: chr16-68828285-G-A. GRCh37 (hg19) VCF-style: chr16-68862188-G-A.
Other names: c.2093G>A, p.Gly698Glu (NM_001317184.2); c.728G>A, p.Gly243Glu (NM_001317185.2); c.311G>A, p.Gly104Glu (NM_001317186.2); short protein forms G104E, G243E, G759E, G698E.
Identifiers: ClinVar variation 2567608 (VCV002567608.3), dbSNP rs945866627, ClinGen allele CA396470036.